The following is an entry in ClinVar:

NM_201384.3(PLEC):c.11435C>G (p.Pro3812Arg)

Gene: PLEC (plectin; minus strand). Cytogenetic location: 8q24.3.
Variant type: single nucleotide variant.
Coding change: c.11435C>G on transcript NM_201384.3 (MANE Select); coding-DNA position 11435, C replaced by G.
Protein change: p.Pro3812Arg; replaces proline 3812 with arginine.
Molecular consequence: missense variant.
Genome position (GRCh38, 1-based): chr8:143,918,386, G>C on the plus strand (C>G on the coding strand, the complement: PLEC is on the minus strand). VCF-style: chr8-143918386-G-C. GRCh37 (hg19) VCF-style: chr8-144992554-G-C.
Other names: c.11516C>G, p.Pro3839Arg (NM_000445.5); c.11393C>G, p.Pro3798Arg (NM_201378.4); c.11369C>G, p.Pro3790Arg (NM_201379.3); c.11846C>G, p.Pro3949Arg (NM_201380.4); c.11339C>G, p.Pro3780Arg (NM_201381.3); c.11435C>G, p.Pro3812Arg (NM_201382.4); c.11447C>G, p.Pro3816Arg (NM_201383.3); short protein forms P3798R, P3816R, P3812R, P3839R, P3949R, P3790R, P3780R.
Identifiers: ClinVar variation 1468164 (VCV001468164.6), dbSNP rs1554675092, ClinGen allele CA372490742.

ClinVar aggregate classification (germline): Uncertain significance (1 of 4 stars; one submission).

Conditions:
Epidermolysis bullosa simplex 5B, with muscular dystrophy (EBS5B). Also called: EPIDERMOLYSIS BULLOSA SIMPLEX AND LIMB-GIRDLE MUSCULAR DYSTROPHY; Epidermolysis bullosa simplex with muscular dystrophy. Identifiers: Orphanet 257, MedGen C2931072, MONDO:0009181, OMIM 226670.
Epidermolysis bullosa simplex, Ogna type (EBS5A). Also called: Pidermolysis bullosa simplex 5A, Ogna type; EPIDERMOLYSIS BULLOSA SIMPLEX 5A, OGNA TYPE. Identifiers: Orphanet 79401, MedGen C0432317, MONDO:0007555, OMIM 131950.
Epidermolysis bullosa simplex with nail dystrophy (EBS5D). Identifiers: MedGen C4225309, MONDO:0014661, OMIM 616487.
Autosomal recessive limb-girdle muscular dystrophy type 2Q (LGMDR17). Also called: MUSCULAR DYSTROPHY, LIMB-GIRDLE, AUTOSOMAL RECESSIVE 17. Identifiers: Orphanet 254361, MedGen C3150989, MONDO:0013390, OMIM 613723.
Epidermolysis bullosa simplex 5C, with pyloric atresia (EBS5C). Also called: PLEC1-Related Epidermolysis Bullosa with Pyloric Atresia; PLEC-Related Epidermolysis Bullosa with Pyloric Atresia; Epidermolysis bullosa simplex with pyloric atresia. Identifiers: Orphanet 158684, MedGen C2677349, MONDO:0012807, OMIM 612138.

Allele frequency attached by ClinVar (database versions not stated): gnomAD 0.00001.
gnomAD v4.1: 2 of 1,566,718 alleles (0.00013%); highest among the groups gnomAD compares: East Asian, 0.0047%; no homozygotes.

Submission:

Labcorp Genetics (formerly Invitae), Labcorp
Classification: Uncertain significance for Autosomal recessive limb-girdle muscular dystrophy type 2Q; Epidermolysis bullosa simplex, Ogna type; Epidermolysis bullosa simplex with nail dystrophy; Epidermolysis bullosa simplex 5C, with pyloric atresia; Epidermolysis bullosa simplex 5B, with muscular dystrophy. Last evaluated: 2022-03-18. Review status: criteria provided, single submitter. Criteria: Invitae Variant Classification Sherloc (09022015). Collection method: clinical testing. Allele origin: germline.
Comment: In summary, the available evidence is currently insufficient to determine the role of this variant in disease. Therefore, it has been classified as a Variant of Uncertain Significance. Algorithms developed to predict the effect of missense changes on protein structure and function (SIFT, PolyPhen-2, Align-GVGD) all suggest that this variant is likely to be disruptive. This variant has not been reported in the literature in individuals affected with PLEC-related conditions. This variant is not present in population databases (gnomAD no frequency). This sequence change replaces proline, which is neutral and non-polar, with arginine, which is basic and polar, at codon 3839 of the PLEC protein (p.Pro3839Arg).